The following is an entry in ClinVar:

ClinVar aggregate classification (germline): Conflicting classifications of pathogenicity. Review status: criteria provided, conflicting classifications (1 of 4 stars). 2 submissions from 2 submitters: Uncertain significance (1); Likely benign (1). Last evaluated 2025-05-28.

Conditions:
Inborn genetic diseases. Identifiers: MedGen C0950123, MeSH D030342.

Allele frequency attached by ClinVar (database versions not stated): TOPMed 0.00007; gnomAD 0.00003; ExAC 0.00005.
gnomAD v4.1: 21 of 1,614,098 alleles (0.0013%); highest among the groups gnomAD compares: African/African-American, 0.012%; no homozygotes.

Submissions (2):

Ambry Genetics
Classification: Likely benign for Inborn genetic diseases. Last evaluated: 2025-05-28. Review status: criteria provided, single submitter. Criteria: Ambry Variant Classification Scheme 2023. Collection method: clinical testing. Allele origin: germline.

Labcorp Genetics (formerly Invitae), Labcorp
Classification: Uncertain significance. Last evaluated: 2023-12-07. Review status: criteria provided, single submitter. Criteria: Invitae Variant Classification Sherloc (09022015). Collection method: clinical testing. Allele origin: germline.
Comment: This sequence change replaces threonine, which is neutral and polar, with methionine, which is neutral and non-polar, at codon 784 of the C2CD3 protein (p.Thr784Met). This variant is present in population databases (rs776326633, gnomAD 0.01%). This variant has not been reported in the literature in individuals affected with C2CD3-related conditions. ClinVar contains an entry for this variant (Variation ID: 1936633). Advanced modeling of protein sequence and biophysical properties (such as structural, functional, and spatial information, amino acid conservation, physicochemical variation, residue mobility, and thermodynamic stability) performed at Invitae indicates that this missense variant is not expected to disrupt C2CD3 protein function with a negative predictive value of 80%. In summary, the available evidence is currently insufficient to determine the role of this variant in disease. Therefore, it has been classified as a Variant of Uncertain Significance.

NM_001286577.2(C2CD3):c.2351C>T (p.Thr784Met)

Gene: C2CD3 (C2 domain containing 3 centriole elongation regulator; minus strand). Cytogenetic location: 11q13.4.
Variant type: single nucleotide variant.
Coding change: c.2351C>T on transcript NM_001286577.2 (MANE Select); coding-DNA position 2351, C replaced by T.
Protein change: p.Thr784Met; replaces threonine 784 with methionine.
Molecular consequence: missense variant.
Genome position (GRCh38, 1-based): chr11:74,103,360, G>A on the plus strand (C>T on the coding strand, the complement: C2CD3 is on the minus strand). VCF-style: chr11-74103360-G-A. GRCh37 (hg19) VCF-style: chr11-73814405-G-A.
Other names: c.2351C>T, p.Thr784Met (NM_015531.6); c.2351C>T (NM_015531.4); short protein forms T784M.
Identifiers: ClinVar variation 1936633 (VCV001936633.5), dbSNP rs776326633, ClinGen allele CA6182657.